The following is an entry in ClinVar:

NM_001739.2(CA5A):c.523A>G (p.Asn175Asp)

Gene: CA5A (carbonic anhydrase 5A; minus strand). Cytogenetic location: 16q24.2.
Variant type: single nucleotide variant.
Coding change: c.523A>G on transcript NM_001739.2 (MANE Select); coding-DNA position 523, A replaced by G.
Protein change: p.Asn175Asp; replaces asparagine 175 with aspartic acid.
Molecular consequence: missense variant. On other transcripts: non-coding transcript variant (2).
Genome position (GRCh38, 1-based): chr16:87,902,457, T>C on the plus strand (A>G on the coding strand, the complement: CA5A is on the minus strand). VCF-style: chr16-87902457-T-C. GRCh37 (hg19) VCF-style: chr16-87936063-T-C.
Other names: c.523A>G, p.Asn175Asp (NM_001367225.1); short protein forms N175D.
Identifiers: ClinVar variation 2173224 (VCV002173224.2), dbSNP rs371017385, ClinGen allele CA8223442.

ClinVar aggregate classification (germline): Uncertain significance (1 of 4 stars; one submission).

Conditions:
Hyperammonemic encephalopathy due to carbonic anhydrase VA deficiency. Also called: Carbonic anhydrase VA deficiency, hyperammonemia due to; Carbonic Anhydrase VA Deficiency. Identifiers: Orphanet 401948, MedGen C4706871, MONDO:0014332, OMIM 615751.

Allele frequency attached by ClinVar (database versions not stated): ExAC 0.00001; gnomAD exomes 0.00003; ESP Exome Variant Server 0.00008.
gnomAD v4.1: 44 of 1,612,476 alleles (0.0027%); highest among the groups gnomAD compares: Non-Finnish European, 0.0036%; no homozygotes.

Submission:

Labcorp Genetics (formerly Invitae), Labcorp
Classification: Uncertain significance for Hyperammonemic encephalopathy due to carbonic anhydrase VA deficiency. Last evaluated: 2023-03-23. Review status: criteria provided, single submitter. Criteria: Invitae Variant Classification Sherloc (09022015). Collection method: clinical testing. Allele origin: germline.
Comment: In summary, the available evidence is currently insufficient to determine the role of this variant in disease. Therefore, it has been classified as a Variant of Uncertain Significance. Advanced modeling of protein sequence and biophysical properties (such as structural, functional, and spatial information, amino acid conservation, physicochemical variation, residue mobility, and thermodynamic stability) performed at Invitae indicates that this missense variant is not expected to disrupt CA5A protein function. ClinVar contains an entry for this variant (Variation ID: 2173224). This variant has not been reported in the literature in individuals affected with CA5A-related conditions. This variant is present in population databases (rs371017385, gnomAD 0.004%). This sequence change replaces asparagine, which is neutral and polar, with aspartic acid, which is acidic and polar, at codon 175 of the CA5A protein (p.Asn175Asp).